The following is an entry in ClinVar:

ClinVar aggregate classification (germline): Uncertain significance. Review status: criteria provided, multiple submitters, no conflicts (2 of 4 stars). 2 submissions from 2 submitters: Uncertain significance (2). Last evaluated 2025-07-24.

Conditions:
Deafness-lymphedema-leukemia syndrome. Also called: Lymphedema, primary, with myelodysplasia; Emberger syndrome. Identifiers: Orphanet 3226, MedGen C3279664, MONDO:0013540, OMIM 614038.
Monocytopenia with susceptibility to infections. Also called: MONOCYTOPENIA AND MYCOBACTERIAL INFECTION SYNDROME; MONOCYTOPENIA WITH SUSCEPTIBILITY TO MYCOBACTERIAL, FUNGAL, AND PAPILLOMAVIRUS INFECTIONS AND MYELODYSPLASIA; COMBINED IMMUNODEFICIENCY WITH SUSCEPTIBILITY TO MYCOBACTERIAL, VIRAL, AND FUNGAL INFECTIONS; Dendritic cell, monocyte, B lymphocyte, and natural killer lymphocyte deficiency; IMMUNODEFICIENCY 21; GATA2 DEFICIENCY. Identifiers: Orphanet 228423, MedGen C3280030, MONDO:0013607, OMIM 614172.
Inborn genetic diseases. Identifiers: MedGen C0950123, MeSH D030342.

gnomAD v4.1: 3 of 1,595,360 alleles (0.00019%); highest among the groups gnomAD compares: Non-Finnish European, 0.00026%; no homozygotes.

Submissions (2):

Ambry Genetics
Classification: Uncertain significance for Inborn genetic diseases. Last evaluated: 2025-07-24. Review status: criteria provided, single submitter. Criteria: Ambry Variant Classification Scheme 2023. Collection method: clinical testing. Allele origin: germline.
Comment: The p.P470L variant (also known as c.1409C>T), located in coding exon 5 of the GATA2 gene, results from a C to T substitution at nucleotide position 1409. The proline at codon 470 is replaced by leucine, an amino acid with similar properties. This amino acid position is conserved. In addition, this alteration is predicted to be deleterious by in silico analysis. Based on the available evidence, the clinical significance of this variant remains unclear.

Labcorp Genetics (formerly Invitae), Labcorp
Classification: Uncertain significance for Monocytopenia with susceptibility to infections; Deafness-lymphedema-leukemia syndrome. Last evaluated: 2024-07-13. Review status: criteria provided, single submitter. Criteria: Invitae Variant Classification Sherloc (09022015). Collection method: clinical testing. Allele origin: germline.
Comment: This sequence change replaces proline, which is neutral and non-polar, with leucine, which is neutral and non-polar, at codon 470 of the GATA2 protein (p.Pro470Leu). This variant is present in population databases (no rsID available, gnomAD 0.001%). This variant has not been reported in the literature in individuals affected with GATA2-related conditions. Advanced modeling of protein sequence and biophysical properties (such as structural, functional, and spatial information, amino acid conservation, physicochemical variation, residue mobility, and thermodynamic stability) performed at Invitae indicates that this missense variant is expected to disrupt GATA2 protein function with a positive predictive value of 80%. In summary, the available evidence is currently insufficient to determine the role of this variant in disease. Therefore, it has been classified as a Variant of Uncertain Significance.

NM_032638.5(GATA2):c.1409C>T (p.Pro470Leu)

Gene: GATA2 (GATA binding protein 2; minus strand). Cytogenetic location: 3q21.3.
Variant type: single nucleotide variant.
Coding change: c.1409C>T on transcript NM_032638.5 (MANE Select); coding-DNA position 1409, C replaced by T.
Protein change: p.Pro470Leu; replaces proline 470 with leucine.
Molecular consequence: missense variant.
Genome position (GRCh38, 1-based): chr3:128,481,053, G>A on the plus strand (C>T on the coding strand, the complement: GATA2 is on the minus strand). VCF-style: chr3-128481053-G-A. GRCh37 (hg19) VCF-style: chr3-128199896-G-A.
Other names: c.1409C>T, p.Pro470Leu (NM_001145661.2); c.1367C>T, p.Pro456Leu (NM_001145662.1); short protein forms P456L, P470L.
Identifiers: ClinVar variation 2923990 (VCV002923990.4), dbSNP rs1449742251, ClinGen allele CA354412482.
Genomic context (GRCh38, chr3:128,481,053, plus strand): 5'-CCCGGTCCTCGACGTCCATCTGTTCCCTAGCCCATGGCGGTCACCATGCTGGACGGGTGG[G>A]GGTGGCCGAAGGAGAGGCTGGAGGAGGGGTGGATGGGCGTCGGAGTGGGCAGGATGTGTC-3'
Protein context (NP_116027.2, residues 460-480): HPSSSLSFGH[Pro470Leu]HPSSMVTAMG